The following is an entry in ClinVar:

ClinVar aggregate classification (germline): Pathogenic (1 of 4 stars; one submission).

Submission:

Labcorp Genetics (formerly Invitae), Labcorp
Classification: Pathogenic. Last evaluated: 2022-10-13. Review status: criteria provided, single submitter. Criteria: Invitae Variant Classification Sherloc (09022015). Collection method: clinical testing. Allele origin: germline.
Comment: A gross deletion of the genomic region encompassing the full coding sequence of the ACAN gene has been identified. Loss-of-function variants in ACAN are known to be pathogenic (PMID: 16080123, 24762113). The boundaries of this event are unknown as they extend beyond the assayed region for this gene and therefore may encompass additional genes. This variant has not been reported in the literature in individuals affected with ACAN-related conditions. For these reasons, this variant has been classified as Pathogenic.

Literature cited by the submitters: PubMed 16080123; PubMed 24762113.

NC_000015.9:g.(?_89379438)_(89417712_?)del

Gene: ACAN (aggrecan; plus strand). Cytogenetic location: 15q26.1.
Variant type: Deletion.
Identifiers: ClinVar variation 1460224 (VCV001460224.4).